The following is an entry in ClinVar:

NM_025074.7(FRAS1):c.8800G>A (p.Glu2934Lys)

Gene: FRAS1 (Fraser extracellular matrix complex subunit 1; plus strand). Cytogenetic location: 4q21.21.
Variant type: single nucleotide variant.
Coding change: c.8800G>A on transcript NM_025074.7 (MANE Select); coding-DNA position 8800, G replaced by A.
Protein change: p.Glu2934Lys; replaces glutamic acid 2934 with lysine.
Molecular consequence: missense variant.
Genome position (GRCh38, 1-based): chr4:78,488,922, G>A. VCF-style: chr4-78488922-G-A. GRCh37 (hg19) VCF-style: chr4-79410076-G-A.
Other names: short protein forms E2934K.
Identifiers: ClinVar variation 3591141 (VCV003591141.3).

ClinVar aggregate classification (germline): Uncertain significance. Review status: criteria provided, multiple submitters, no conflicts (2 of 4 stars). 2 submissions from 2 submitters: Uncertain significance (2). Last evaluated 2025-01-08.

Conditions:
Fraser syndrome 1 (FRASRS1). Also called: CRYPTOPHTHALMOS WITH OTHER MALFORMATIONS. Identifiers: Orphanet 2052, MedGen C4551480, MONDO:0054737, OMIM 219000.

gnomAD v4.1: 8 of 1,613,468 alleles (0.0005%); highest among the groups gnomAD compares: Middle Eastern, 0.017%; no homozygotes.

Submissions (2):

Labcorp Genetics (formerly Invitae), Labcorp
Classification: Uncertain significance. Last evaluated: 2025-01-08. Review status: criteria provided, single submitter. Criteria: Invitae Variant Classification Sherloc (09022015). Collection method: clinical testing. Allele origin: germline.
Comment: This sequence change replaces glutamic acid, which is acidic and polar, with lysine, which is basic and polar, at codon 2934 of the FRAS1 protein (p.Glu2934Lys). The frequency data for this variant in the population databases is considered unreliable, as metrics indicate poor data quality at this position in the gnomAD database. This variant has not been reported in the literature in individuals affected with FRAS1-related conditions. Invitae Evidence Modeling of protein sequence and biophysical properties (such as structural, functional, and spatial information, amino acid conservation, physicochemical variation, residue mobility, and thermodynamic stability) indicates that this missense variant is not expected to disrupt FRAS1 protein function with a negative predictive value of 80%. In summary, the available evidence is currently insufficient to determine the role of this variant in disease. Therefore, it has been classified as a Variant of Uncertain Significance.

Fulgent Genetics
Classification: Uncertain significance for Fraser syndrome 1. Last evaluated: 2024-02-21. Review status: criteria provided, single submitter. Criteria: ACMG Guidelines, 2015. Collection method: clinical testing. Allele origin: germline.